The following is an entry in ClinVar:

ClinVar aggregate classification (germline): Conflicting classifications of pathogenicity. Review status: criteria provided, conflicting classifications (1 of 4 stars). 3 submissions from 3 submitters: Uncertain significance (1); Likely benign (1). 1 of the submissions does not count toward it. Last evaluated 2026-02-23.

Conditions:
TCF20-related disorder. Also called: TCF20-related condition.
Inborn genetic diseases. Identifiers: MedGen C0950123, MeSH D030342.

Submissions (3):

Ambry Genetics
Classification: Likely benign for Inborn genetic diseases. Last evaluated: 2026-02-23. Review status: criteria provided, single submitter. Criteria: Ambry Variant Classification Scheme 2023. Collection method: clinical testing. Allele origin: germline.

Labcorp Genetics (formerly Invitae), Labcorp
Classification: Uncertain significance. Last evaluated: 2026-01-19. Review status: criteria provided, single submitter. Criteria: Invitae Variant Classification Sherloc (09022015). Collection method: clinical testing. Allele origin: germline.
Comment: This variant, c.534_536dup, results in the insertion of 1 amino acid(s) of the TCF20 protein (p.Gln179dup), but otherwise preserves the integrity of the reading frame. This variant is present in population databases (rs753018257, gnomAD 0.04%). This variant has not been reported in the literature in individuals affected with TCF20-related conditions. Experimental studies and prediction algorithms are not available or were not evaluated, and the functional significance of this variant is currently unknown. In summary, the available evidence is currently insufficient to determine the role of this variant in disease. Therefore, it has been classified as a Variant of Uncertain Significance.

PreventionGenetics, part of Exact Sciences
Classification: Likely benign for TCF20-related condition. Last evaluated: 2024-08-29. Review status: no assertion criteria provided. Collection method: clinical testing. Allele origin: germline. Not counted in ClinVar's aggregate classification.
Comment: This variant is classified as likely benign based on ACMG/AMP sequence variant interpretation guidelines (Richards et al. 2015 PMID: 25741868, with internal and published modifications).

NM_001378418.1(TCF20):c.522GCA[6] (p.Gln179dup)

Gene: TCF20 (transcription factor 20; minus strand). Cytogenetic location: 22q13.2.
Variant type: Microsatellite.
Coding change: c.522GCA[6] on transcript NM_001378418.1 (MANE Select); six copies in a row of the 3-base unit GCA starting at c.522; the reference has five copies in a row; one copy, 3 bases duplicated.
Protein change: p.Gln179dup; duplicates glutamine 179.
Molecular consequence: inframe insertion.
Genome position (GRCh38, 1-based): chr22:42,214,770-42,214,772, TGC duplicated on the plus strand (GCA on the coding strand, the reverse complement: TCF20 is on the minus strand); duplicating any 3 consecutive bases within chr22:42,214,770-42,214,786 gives the same sequence; the position shown is the placement nearest the transcript's 3' end. VCF-style (leftmost placement, unchanged base first): chr22-42214769-T-TTGC. GRCh37 (hg19) VCF-style: chr22-42610775-T-TTGC.
Other names: c.522GCA[6], p.Gln179dup (NM_005650.4, NM_181492.3); c.534_536dupGCA (NM_005650.3, NM_005650.1).
Identifiers: ClinVar variation 1521636 (VCV001521636.10), dbSNP rs753018257, ClinGen allele CA10267339.